The following is an entry in ClinVar:

ClinVar aggregate classification (germline): Conflicting classifications of pathogenicity. Review status: criteria provided, conflicting classifications (1 of 4 stars). 2 submissions from 2 submitters: Uncertain significance (1); Likely benign (1). Last evaluated 2025-01-15.

gnomAD v4.1: 33 of 1,612,228 alleles (0.002%); highest among the groups gnomAD compares: South Asian, 0.0055%; no homozygotes.

Submissions (2):

Labcorp Genetics (formerly Invitae), Labcorp
Classification: Uncertain significance. Last evaluated: 2025-01-15. Review status: criteria provided, single submitter. Criteria: Invitae Variant Classification Sherloc (09022015). Collection method: clinical testing. Allele origin: germline.
Comment: This sequence change falls in intron 6 of the SETD5 gene. It does not directly change the encoded amino acid sequence of the SETD5 protein. It affects a nucleotide within the consensus splice site. This variant is present in population databases (rs747595594, gnomAD 0.01%). This variant has not been reported in the literature in individuals affected with SETD5-related conditions. Variants that disrupt the consensus splice site are a relatively common cause of aberrant splicing (PMID: 17576681, 9536098). Algorithms developed to predict the effect of sequence changes on RNA splicing suggest that this variant is not likely to affect RNA splicing. In summary, the available evidence is currently insufficient to determine the role of this variant in disease. Therefore, it has been classified as a Variant of Uncertain Significance.

Blueprint Genetics
Classification: Likely benign. Last evaluated: 2021-01-14. Review status: criteria provided, single submitter. Criteria: ACMG Guidelines, 2015. Collection method: clinical testing. Allele origin: germline.

Literature cited by the submitters: PubMed 17576681 (cited by Labcorp Genetics (formerly Invitae), Labcorp); PubMed 9536098 (cited by Labcorp Genetics (formerly Invitae), Labcorp).

NM_001080517.3(SETD5):c.388+6C>T

Gene: SETD5 (SET domain containing 5; plus strand). Cytogenetic location: 3p25.3.
Variant type: single nucleotide variant.
Coding change: c.388+6C>T on transcript NM_001080517.3 (MANE Select); 6 bases into the intron after coding-DNA position 388, C replaced by T.
Molecular consequence: intron variant.
Genome position (GRCh38, 1-based): chr3:9,434,888, C>T. VCF-style: chr3-9434888-C-T. GRCh37 (hg19) VCF-style: chr3-9476572-C-T.
Other names: c.55+6C>T (NM_001349451.2, NM_001292043.2).
Identifiers: ClinVar variation 3708648 (VCV003708648.3).